The following is an entry in ClinVar:

NM_001378120.1(MBD5):c.2153A>G (p.Asn718Ser)

Gene: MBD5 (methyl-CpG binding domain protein 5; plus strand). Cytogenetic location: 2q23.1.
Variant type: single nucleotide variant.
Coding change: c.2153A>G on transcript NM_001378120.1 (MANE Select); coding-DNA position 2153, A replaced by G.
Protein change: p.Asn718Ser; replaces asparagine 718 with serine.
Molecular consequence: missense variant.
Genome position (GRCh38, 1-based): chr2:148,470,096, A>G. VCF-style: chr2-148470096-A-G. GRCh37 (hg19) VCF-style: chr2-149227665-A-G.
Other names: c.2153A>G, p.Asn718Ser (NM_018328.5); short protein forms N718S.
Identifiers: ClinVar variation 1878594 (VCV001878594.1), dbSNP rs1680743536, ClinGen allele CA348721240.

ClinVar aggregate classification (germline): Uncertain significance (1 of 4 stars; one submission).

Conditions:
Intellectual developmental disorder, autosomal dominant 1. Also called: Intellectual disability, autosomal dominant 1; MBD5 Haploinsufficiency. Identifiers: Orphanet 228402, MedGen C1969562, MONDO:0007974, OMIM 156200.

Allele frequency attached by ClinVar (database versions not stated): gnomAD 0.00003; gnomAD exomes 0.00002.
gnomAD v4.1: 15 of 1,613,744 alleles (0.00093%); highest among the groups gnomAD compares: South Asian, 0.016%; no homozygotes.

Submission:

Neuberg Centre For Genomic Medicine, NCGM
Classification: Uncertain significance for Intellectual developmental disorder, autosomal dominant 1. Review status: criteria provided, single submitter. Criteria: ACMG Guidelines, 2015. Collection method: clinical testing. Allele origin: germline. Affected: yes.
Comment: The missense variant c.2153A>G (p.Asn718Ser) in MBD5 gene has not been reported previously as a pathogenic variant nor as a benign variant, to our knowledge. The p.Asn718Ser variant is novel (not in any individuals) in gnomAD Exomes and 1000 Genomes. The amino acid Asn at position 718 is changed to a Ser changing protein sequence and it might alter its composition and physico-chemical properties. The variant is predicted to be damaging by SIFT and the residue is conserved across species. The amino acid change p.Asn718Ser in MBD5 is predicted as conserved by GERP++ and PhyloP across 100 vertebrates. For these reasons, this variant has been classified as Variant of Uncertain Significance (VUS).